The following is an entry in ClinVar:

ClinVar aggregate classification (germline): Pathogenic. Review status: criteria provided, multiple submitters, no conflicts (2 of 4 stars). 3 submissions from 3 submitters: Pathogenic (3). Last evaluated 2024-10-31.

Conditions:
Familial cancer of breast. Also called: BREAST CANCER, FAMILIAL; Hereditary breast cancer; hereditary breast carcinoma. Identifiers: Orphanet 227535, MedGen C0346153, MONDO:0016419, OMIM 114480. Disease mechanism: loss of function.
Hereditary cancer-predisposing syndrome. Also called: Hereditary neoplastic syndrome; Neoplastic Syndromes, Hereditary; Tumor predisposition; Hereditary Cancer Syndrome. Identifiers: Orphanet 140162, MedGen C0027672, MeSH D009386, MONDO:0015356.
Ataxia-telangiectasia syndrome (AT). Also called: LOUIS-BAR SYNDROME; Cerebello-oculocutaneous telangiectasia; Immunodeficiency with ataxia telangiectasia; AT, COMPLEMENTATION GROUP C; Ataxia-telangiectasia, complementation group D; ATAXIA-TELANGIECTASIA, COMPLEMENTATION GROUP A. Identifiers: Orphanet 100, MedGen C0004135, MONDO:0008840, OMIM 208900.

Allele frequency attached by ClinVar (database versions not stated): gnomAD exomes below 0.00001; ExAC 0.00001.
gnomAD v4.1: 1 of 1,612,058 alleles (0.000062%); highest among the groups gnomAD compares: Non-Finnish European, 0.000085%; no homozygotes.

Submissions (3):

Labcorp Genetics (formerly Invitae), Labcorp
Classification: Pathogenic for Ataxia-telangiectasia syndrome. Last evaluated: 2024-10-31. Review status: criteria provided, single submitter. Criteria: Invitae Variant Classification Sherloc (09022015). Collection method: clinical testing. Allele origin: germline.
Comment: This sequence change creates a premature translational stop signal (p.Leu121*) in the ATM gene. It is expected to result in an absent or disrupted protein product. Loss-of-function variants in ATM are known to be pathogenic (PMID: 23807571, 25614872). This variant is present in population databases (rs771342315, gnomAD 0.0009%). This premature translational stop signal has been observed in individual(s) with ataxia-telangiectasia and pancreatic adenocarcinoma (PMID: 15880721, 21965147, 29625052). ClinVar contains an entry for this variant (Variation ID: 482626). For these reasons, this variant has been classified as Pathogenic.

Myriad Genetics, Inc.
Classification: Pathogenic for Familial cancer of breast. Last evaluated: 2024-01-09. Review status: criteria provided, single submitter. Criteria: Myriad Autosomal Dominant, Autosomal Recessive and X-Linked Classification Criteria (2023). Collection method: clinical testing. Allele origin: unknown.
Comment: This variant is considered pathogenic. This variant creates a termination codon and is predicted to result in premature protein truncation.

Ambry Genetics
Classification: Pathogenic for Hereditary cancer-predisposing syndrome. Last evaluated: 2019-02-14. Review status: criteria provided, single submitter. Criteria: Ambry Variant Classification Scheme 2023. Collection method: clinical testing. Allele origin: germline.
Comment: The p.L121* pathogenic mutation (also known as c.362T>A), located in coding exon 4 of the ATM gene, results from a T to A substitution at nucleotide position 362. This changes the amino acid from a leucine to a stop codon within coding exon 4. This mutation has been identified in conjunction with another pathogenic ATM mutation in multiple patients diagnosed with ataxia-telangiectasia (Birrell GW et al. Hum. Mutat., 2005 Jun;25:593; Demuth I et al. Neurogenetics, 2011 Nov;12:273-82). In addition to the clinical data presented in the literature, this alteration is expected to result in loss of function by premature protein truncation or nonsense-mediated mRNA decay. As such, this alteration is interpreted as a disease-causing mutation.

Literature cited by the submitters: PubMed 23807571 (cited by Labcorp Genetics (formerly Invitae), Labcorp); PubMed 25614872 (cited by Labcorp Genetics (formerly Invitae), Labcorp); PubMed 15880721 (cited by Labcorp Genetics (formerly Invitae), Labcorp and Ambry Genetics); PubMed 21965147 (cited by Labcorp Genetics (formerly Invitae), Labcorp and Ambry Genetics); PubMed 29625052 (cited by Labcorp Genetics (formerly Invitae), Labcorp).

NM_000051.4(ATM):c.362T>A (p.Leu121Ter)

Gene: ATM (ATM serine/threonine kinase; plus strand). Cytogenetic location: 11q22.3.
Variant type: single nucleotide variant.
Coding change: c.362T>A on transcript NM_000051.4 (MANE Select); coding-DNA position 362, T replaced by A.
Protein change: p.Leu121Ter; replaces leucine 121 with a stop codon.
Molecular consequence: nonsense.
Genome position (GRCh38, 1-based): chr11:108,235,700, T>A. VCF-style: chr11-108235700-T-A. GRCh37 (hg19) VCF-style: chr11-108106427-T-A.
Other names: c.362T>A, p.Leu121Ter (NM_001351834.2); short protein forms L121*.
Identifiers: ClinVar variation 482626 (VCV000482626.11), dbSNP rs771342315, ClinGen allele CA6264593.